The following is an entry in ClinVar:

NM_003873.7(NRP1):c.2483-7dup

Gene: NRP1 (neuropilin 1; minus strand). Cytogenetic location: 10p11.22.
Variant type: Duplication.
Coding change: c.2483-7dup on transcript NM_003873.7 (MANE Select); 7 bases into the intron before coding-DNA position 2483, one base duplicated (T; older notation c.2483-7dupT).
Molecular consequence: intron variant.
Genome position (GRCh38, 1-based): chr10:33,180,372, A duplicated on the plus strand (T on the coding strand, the reverse complement: NRP1 is on the minus strand); the first of 7 consecutive A bases (chr10:33,180,372-33,180,378); duplicating any one gives the same sequence. VCF-style (leftmost placement, unchanged base first): chr10-33180371-G-GA. GRCh37 (hg19) VCF-style: chr10-33469299-G-GA.
Other names: c.2462-7dup (NM_001244973.2); c.2465-7dup (NM_001244972.2); c.2432-7dup (NM_001330068.2).
Identifiers: ClinVar variation 3354381 (VCV003354381.1).

ClinVar aggregate classification (germline): Likely benign (0 of 4 stars; one submission).

Conditions:
NRP1-related disorder. Also called: NRP1-related condition.

Submission:

PreventionGenetics, part of Exact Sciences
Classification: Likely benign for NRP1-related condition. Last evaluated: 2022-06-21. Review status: no assertion criteria provided. Collection method: clinical testing. Allele origin: germline.
Comment: This variant is classified as likely benign based on ACMG/AMP sequence variant interpretation guidelines (Richards et al. 2015 PMID: 25741868, with internal and published modifications).